The following is an entry in ClinVar:

NM_000382.3(ALDH3A2):c.382dup (p.Ala128fs)

Gene: ALDH3A2 (aldehyde dehydrogenase 3 family member A2; plus strand). Cytogenetic location: 17p11.2.
Variant type: Duplication.
Coding change: c.382dup on transcript NM_000382.3 (MANE Select); coding-DNA position 382, one base duplicated (G; older notation c.382dupG).
Protein change: p.Ala128fs; shifts the reading frame from alanine 128.
Molecular consequence: frameshift variant. On other transcripts: 5 prime UTR variant (1).
Genome position (GRCh38, 1-based): chr17:19,651,775, G duplicated. VCF-style (leftmost placement, unchanged base first): chr17-19651774-T-TG. GRCh37 (hg19) VCF-style: chr17-19555087-T-TG.
Other names: c.382dup, p.Ala128fs (NM_001031806.2, NM_001369136.1, NM_001369137.2 and 3 more transcripts); c.-307dup (NM_001369148.2); short protein forms A128fs.
Identifiers: ClinVar variation 5012417 (VCV005012417.1).

ClinVar aggregate classification (germline): Pathogenic (1 of 4 stars; one submission).

Conditions:
Sjögren-Larsson syndrome (SLS). Also called: FALDH DEFICIENCY; FATTY ALCOHOL:NAD+ OXIDOREDUCTASE DEFICIENCY; FATTY ALDEHYDE DEHYDROGENASE DEFICIENCY; ICHTHYOSIS, SPASTIC NEUROLOGIC DISORDER, AND OLIGOPHRENIA. Identifiers: Orphanet 816, MedGen C0037231, MONDO:0010031, OMIM 270200.

Submission:

Myriad Genetics, Inc.
Classification: Pathogenic for Sjögren-Larsson syndrome. Last evaluated: 2023-10-22. Review status: criteria provided, single submitter. Criteria: Myriad Autosomal Dominant, Autosomal Recessive and X-Linked Classification Criteria (2023). Collection method: clinical testing. Allele origin: unknown.
Comment: NM_000382.2(ALDH3A2):c.382dupG(A128Gfs*11) is expected to be pathogenic in the context of Sjogren-Larsson syndrome. This variant is predicted to lead to an abnormal or absent protein product due to the creation of a premature termination codon in ALDH3A2, a gene where loss-of-function variants are known to be pathogenic. Please note: this variant was assessed in the context of healthy population screening.